The following is an entry in ClinVar:

NM_014000.3(VCL):c.2159A>G (p.Lys720Arg)

Gene: VCL (vinculin; plus strand). Cytogenetic location: 10q22.2.
Variant type: single nucleotide variant.
Coding change: c.2159A>G on transcript NM_014000.3 (MANE Select); coding-DNA position 2159, A replaced by G.
Protein change: p.Lys720Arg; replaces lysine 720 with arginine.
Molecular consequence: missense variant.
Genome position (GRCh38, 1-based): chr10:74,105,078, A>G. VCF-style: chr10-74105078-A-G. GRCh37 (hg19) VCF-style: chr10-75864836-A-G.
Other names: c.2159A>G, p.Lys720Arg (NM_003373.4); short protein forms K720R.
Identifiers: ClinVar variation 2070589 (VCV002070589.4), dbSNP rs1554818881, ClinGen allele CA377261643.
Genomic context (GRCh38, chr10:74,105,078, plus strand): 5'-TGAAACTAAATTCCATTTCTGTTTTCCTAACAGGGCTGGTGGACGAAGCCATTGATACCA[A>G]ATCTCTGTTGGATGCTTCAGAAGAAGCAATTAAAAAAGACCTGGACAAGTGCAAGGTAGC-3'
Protein context (NP_054706.1, residues 710-730): TGLVDEAIDT[Lys720Arg]SLLDASEEAI

ClinVar aggregate classification (germline): Uncertain significance (1 of 4 stars; one submission).

Conditions:
Dilated cardiomyopathy 1W (CMD1W). Identifiers: Orphanet 154, MedGen C1969639, MONDO:0012667, OMIM 611407.

Submission:

Labcorp Genetics (formerly Invitae), Labcorp
Classification: Uncertain significance for Dilated cardiomyopathy 1W. Last evaluated: 2022-01-02. Review status: criteria provided, single submitter. Criteria: Invitae Variant Classification Sherloc (09022015). Collection method: clinical testing. Allele origin: germline.
Comment: This variant is not present in population databases (gnomAD no frequency). This sequence change replaces lysine, which is basic and polar, with arginine, which is basic and polar, at codon 720 of the VCL protein (p.Lys720Arg). This variant has not been reported in the literature in individuals affected with VCL-related conditions. Algorithms developed to predict the effect of missense changes on protein structure and function are either unavailable or do not agree on the potential impact of this missense change (SIFT: "Not Available"; PolyPhen-2: "Benign"; Align-GVGD: "Not Available"). In summary, the available evidence is currently insufficient to determine the role of this variant in disease. Therefore, it has been classified as a Variant of Uncertain Significance.